The following is an entry in ClinVar:

NM_053025.4(MYLK):c.3934G>A (p.Val1312Met)

Gene: MYLK (myosin light chain kinase; minus strand). Cytogenetic location: 3q21.1.
Variant type: single nucleotide variant.
Coding change: c.3934G>A on transcript NM_053025.4 (MANE Select); coding-DNA position 3934, G replaced by A.
Protein change: p.Val1312Met; replaces valine 1312 with methionine.
Molecular consequence: missense variant.
Genome position (GRCh38, 1-based): chr3:123,664,156, C>T on the plus strand (G>A on the coding strand, the complement: MYLK is on the minus strand). VCF-style: chr3-123664156-C-T. GRCh37 (hg19) VCF-style: chr3-123383003-C-T.
Other names: c.3406G>A, p.Val1136Met (NM_001321309.2); c.3727G>A, p.Val1243Met (NM_053026.4, NM_053028.4); c.3934G>A, p.Val1312Met (NM_053027.4); short protein forms V1136M, V1243M, V1312M.
Identifiers: ClinVar variation 3905763 (VCV003905763.10).

ClinVar aggregate classification (germline): Uncertain significance (1 of 4 stars; one submission).

Submission:

CeGaT Center for Human Genetics Tuebingen
Classification: Uncertain significance. Last evaluated: 2025-05-01. Review status: criteria provided, single submitter. Criteria: CeGaT Center For Human Genetics Tuebingen Variant Classification Criteria Version 2. Collection method: clinical testing. Allele origin: germline. Affected: yes. Observed: 1 variant allele.
Comment: MYLK: PM2, BP4